The following is an entry in ClinVar:

ClinVar aggregate classification (germline): Uncertain significance (1 of 4 stars; one submission).

Conditions:
Familial hypobetalipoproteinemia 1. Also called: Hypobetalipoproteinemia, normotriglyceridemic; Acanthocytosis with hypobetalipoproteinemia; APOB-Related Familial Hypobetalipoproteinemia. Identifiers: MedGen C4551990, MONDO:0014252, OMIM 615558.
Hypercholesterolemia, autosomal dominant, type B (FHCL2). Also called: Familial Hypercholesterolemia Type B; HYPERCHOLESTEROLEMIA, FAMILIAL, DUE TO LIGAND-DEFECTIVE APOLIPOPROTEIN B; Familial hypercholesterolemia 2; APOB-Related Familial Hypercholesterolemia, Autosomal Dominant; APOLIPOPROTEIN B-100, FAMILIAL DEFECTIVE; APOLIPOPROTEIN B-100, FAMILIAL LIGAND-DEFECTIVE. Identifiers: MedGen C1704417, MONDO:0007751, OMIM 144010.

Submission:

Labcorp Genetics (formerly Invitae), Labcorp
Classification: Uncertain significance for Familial hypobetalipoproteinemia 1; Hypercholesterolemia, autosomal dominant, type B. Last evaluated: 2019-10-02. Review status: criteria provided, single submitter. Criteria: Invitae Variant Classification Sherloc (09022015). Collection method: clinical testing. Allele origin: germline.
Comment: In summary, the available evidence is currently insufficient to determine the role of this variant in disease. Therefore, it has been classified as a Variant of Uncertain Significance. Algorithms developed to predict the effect of missense changes on protein structure and function are either unavailable or do not agree on the potential impact of this missense change (SIFT: "Deleterious"; PolyPhen-2: "Probably Damaging"; Align-GVGD: "Class C0"). This variant has not been reported in the literature in individuals with APOB-related conditions. This variant is not present in population databases (ExAC no frequency). This sequence change replaces glutamine with lysine at codon 3167 of the APOB protein (p.Gln3167Lys). The glutamine residue is highly conserved and there is a small physicochemical difference between glutamine and lysine.

NM_000384.3(APOB):c.9499C>A (p.Gln3167Lys)

Gene: APOB (apolipoprotein B; minus strand). Cytogenetic location: 2p24.1.
Variant type: single nucleotide variant.
Coding change: c.9499C>A on transcript NM_000384.3 (MANE Select); coding-DNA position 9499, C replaced by A.
Protein change: p.Gln3167Lys; replaces glutamine 3167 with lysine.
Molecular consequence: missense variant.
Genome position (GRCh38, 1-based): chr2:21,007,369, G>T on the plus strand (C>A on the coding strand, the complement: APOB is on the minus strand). VCF-style: chr2-21007369-G-T. GRCh37 (hg19) VCF-style: chr2-21230241-G-T.
Other names: short protein forms Q3167K.
Identifiers: ClinVar variation 934393 (VCV000934393.12), dbSNP rs1663172884, ClinGen allele CA345989761.